The following is an entry in ClinVar:

NM_005726.6(TSFM):c.*997G>C

Genes: AVIL (advillin; minus strand), TSFM (Ts translation elongation factor, mitochondrial; plus strand). Cytogenetic location: 12q14.1.
Variant type: single nucleotide variant.
Coding change: c.*997G>C on transcript NM_005726.6 (MANE Select); 997 bases downstream of the stop codon, G replaced by C.
Molecular consequence: 3 prime UTR variant. On other transcripts: intron variant (1).
Genome position (GRCh38, 1-based): chr12:57,797,580, G>C. VCF-style: chr12-57797580-G-C. GRCh37 (hg19) VCF-style: chr12-58191363-G-C.
Other names: c.*1383G>C (NM_001172695.2); c.*997G>C (NM_001172696.2); c.*302C>G (NM_006576.4); c.571+4507G>C (NM_001172697.2).
Identifiers: ClinVar variation 310030 (VCV000310030.6), dbSNP rs114214463, ClinGen allele CA10642135.

ClinVar aggregate classification (germline): Benign. Review status: criteria provided, multiple submitters, no conflicts (2 of 4 stars). 2 submissions from 2 submitters: Benign (2). Last evaluated 2018-01-13.

Conditions:
Fatal mitochondrial disease due to combined oxidative phosphorylation defect type 3. Also called: Combined oxidative phosphorylation deficiency 3; ENCEPHALOMYOPATHY, RESPIRATORY FAILURE, AND LACTIC ACIDOSIS. Identifiers: Orphanet 168566, MedGen C1864840, MONDO:0012512, OMIM 610505.

Allele frequency attached by ClinVar (database versions not stated): gnomAD exomes 0.00041; gnomAD 0.00650 and 0.00703; 1000 Genomes Project 30x 0.00687; 1000 Genomes Project 0.00699; TOPMed 0.00713.
gnomAD v4.1: 1,315 of 921,872 alleles (0.14%); highest among the groups gnomAD compares: African/African-American, 2.1%; 18 homozygotes.

Submissions (2):

Illumina Laboratory Services, Illumina
Classification: Benign for Fatal mitochondrial disease due to combined oxidative phosphorylation defect type 3. Last evaluated: 2018-01-13. Review status: criteria provided, single submitter. Criteria: ICSL Variant Classification Criteria 13 December 2019. Collection method: clinical testing. Allele origin: germline.
Comment: This variant was observed in the ICSL laboratory as part of a predisposition screen in an ostensibly healthy population. It had not been previously curated by ICSL or reported in the Human Gene Mutation Database (HGMD: prior to June 1st, 2018), and was therefore a candidate for classification through an automated scoring system. Utilizing variant allele frequency, disease prevalence and penetrance estimates, and inheritance mode, an automated score was calculated to assess if this variant is too frequent to cause the disease. Based on the score and internal cut-off values, a variant classified as benign is not then subjected to further curation. The score for this variant resulted in a classification of benign for this disease.

Breakthrough Genomics
Classification: Benign. Review status: criteria provided, single submitter. Criteria: ACMG Guidelines, 2015. Collection method: not provided. Allele origin: germline. Inheritance: Autosomal recessive inheritance. Affected: yes.